The following is an entry in ClinVar:

ClinVar aggregate classification (germline): Uncertain significance (1 of 4 stars; one submission).

Submission:

GeneDx
Classification: Uncertain significance. Last evaluated: 2022-05-23. Review status: criteria provided, single submitter. Criteria: GeneDx Variant Classification Process June 2021. Collection method: clinical testing. Allele origin: germline. Affected: yes.
Comment: Not observed at significant frequency in large population cohorts (gnomAD); In silico analysis supports that this missense variant does not alter protein structure/function; Has not been previously published as pathogenic or benign to our knowledge

NM_001291303.3(FAT4):c.4766C>A (p.Ala1589Glu)

Gene: FAT4 (FAT atypical cadherin 4; plus strand). Cytogenetic location: 4q28.1.
Variant type: single nucleotide variant.
Coding change: c.4766C>A on transcript NM_001291303.3 (MANE Select); coding-DNA position 4766, C replaced by A.
Protein change: p.Ala1589Glu; replaces alanine 1589 with glutamic acid.
Molecular consequence: missense variant.
Genome position (GRCh38, 1-based): chr4:125,321,177, C>A. VCF-style: chr4-125321177-C-A. GRCh37 (hg19) VCF-style: chr4-126242332-C-A.
Other names: c.4766C>A, p.Ala1589Glu (NM_001291285.3, NM_024582.6); short protein forms A1589E.
Identifiers: ClinVar variation 1800871 (VCV001800871.1), dbSNP rs771708812, ClinGen allele CA358128016.